The following is an entry in ClinVar:

NM_024675.4(PALB2):c.1685-3_1685-2insCTTATTTTTCTTCTTTTTTTTTTTTTTTTTTTTTTTNNNNNNNNNNTCGATCTCCTGACCTCGCGATCCGACCACCTCGGCATCCCAAAGTGCTGGGATTACAGGCGTGAGCCACCGCGACCAGCC

Gene: PALB2 (partner and localizer of BRCA2; minus strand). Cytogenetic location: 16p12.2.
Variant type: Insertion.
Coding change: c.1685-3_1685-2insCTTATTTTTCTTCTTTTTTTTTTTTTTTTTTTTTTTNNNNNNNNNNTCGATCTCCTGACCTCGCGATCCGACCACCTCGGCATCCCAAAGTGCTGGGATTACAGGCGTGAGCCACCGCGACCAGCC on transcript NM_024675.4 (MANE Select); 3 bases into the intron before coding-DNA position 1685 through the canonical splice acceptor site of the intron before coding-DNA position 1685, CTTATTTTTCTTCTTTTTTTTTTTTTTTTTTTTTTTNNNNNNNNNNTCGATCTCCTGACCTCGCGATCCGACCACCTCGGCATCCCAAAGTGCTGGGATTACAGGCGTGAGCCACCGCGACCAGCC inserted.
Molecular consequence: intron variant.
Genome position: GRCh38: chr16:23,630,487-23,630,488. GRCh37 (hg19): chr16:23,641,808-23,641,809.
Identifiers: ClinVar variation 1998127 (VCV001998127.4), dbSNP rs2506440178.

ClinVar aggregate classification (germline): Likely pathogenic (1 of 4 stars; one submission).

Conditions:
Familial cancer of breast. Also called: hereditary breast carcinoma; Hereditary breast cancer; BREAST CANCER, FAMILIAL. Identifiers: Orphanet 227535, MedGen C0346153, MONDO:0016419, OMIM 114480. Disease mechanism: loss of function.

Submission:

Labcorp Genetics (formerly Invitae), Labcorp
Classification: Likely pathogenic for Familial cancer of breast. Last evaluated: 2023-04-24. Review status: criteria provided, single submitter. Criteria: Invitae Variant Classification Sherloc (09022015). Collection method: clinical testing. Allele origin: germline.
Comment: This sequence change falls in intron 4 of the PALB2 gene. It does not directly change the encoded amino acid sequence of the PALB2 protein. RNA analysis indicates that this variant induces altered splicing and may result in an absent or disrupted protein product. This variant is not present in population databases (gnomAD no frequency). This variant has not been reported in the literature in individuals affected with PALB2-related conditions. ClinVar contains an entry for this variant (Variation ID: 1998127). Variants that disrupt the consensus splice site are a relatively common cause of aberrant splicing (PMID: 17576681, 9536098). Studies have shown that this variant results in activation of a cryptic splice site and introduces a premature termination codon (Invitae). The resulting mRNA is expected to undergo nonsense-mediated decay. In summary, the currently available evidence indicates that the variant is pathogenic, but additional data are needed to prove that conclusively. Therefore, this variant has been classified as Likely Pathogenic.

Literature cited by the submitters: PubMed 17576681; PubMed 9536098.